The following is an entry in ClinVar:

ClinVar aggregate classification (germline): Uncertain significance. Review status: criteria provided, multiple submitters, no conflicts (2 of 4 stars). 2 submissions from 2 submitters: Uncertain significance (2). Last evaluated 2025-10-09.

Conditions:
Methylmalonic acidemia with homocystinuria, type cblX (MAHCX). Also called: INTELLECTUAL DEVELOPMENTAL DISORDER, X-LINKED 3. Identifiers: Orphanet 369962, MedGen C0796208, MONDO:0010657, OMIM 309541.

Allele frequency attached by ClinVar (database versions not stated): ExAC 0.00003; gnomAD 0.00003.
gnomAD v4.1: 11 of 1,205,086 alleles (0.00091%); highest among the groups gnomAD compares: South Asian, 0.0035%; no homozygotes.

Submissions (2):

Labcorp Genetics (formerly Invitae), Labcorp
Classification: Uncertain significance for Methylmalonic acidemia with homocystinuria, type cblX. Last evaluated: 2025-10-09. Review status: criteria provided, single submitter. Criteria: Invitae Variant Classification Sherloc (09022015). Collection method: clinical testing. Allele origin: germline.
Comment: This sequence change replaces arginine, which is basic and polar, with histidine, which is basic and polar, at codon 1244 of the HCFC1 protein (p.Arg1244His). This variant is present in population databases (rs782013532, gnomAD 0.005%). This variant has not been reported in the literature in individuals affected with HCFC1-related conditions. ClinVar contains an entry for this variant (Variation ID: 1699279). An algorithm developed to predict the effect of missense changes on protein structure and function outputs the following: PolyPhen-2: "Benign". The histidine amino acid residue is found in multiple mammalian species, which suggests that this missense change does not adversely affect protein function. In summary, the available evidence is currently insufficient to determine the role of this variant in disease. Therefore, it has been classified as a Variant of Uncertain Significance.

Victorian Clinical Genetics Services, Murdoch Childrens Research Institute
Classification: Uncertain significance for Methylmalonic acidemia with homocystinuria, type cblX. Last evaluated: 2020-05-25. Review status: criteria provided, single submitter. Criteria: ACMG Guidelines, 2015. Collection method: clinical testing. Allele origin: germline. Inheritance: X-linked recessive inheritance. Affected: yes.
Comment: Based on the classification scheme VCGS_Germline_v1.1.1, this variant is classified as 3C-VUS. Following criteria are met: 0102 - Loss-of-function is a known mechanism of disease for this gene. (N) 0109 - This gene is known to be associated with X-linked recessive disease. (N) 0200 - Variant is predicted to result in a missense amino acid change from an arginine to a histidine (exon 17). (N) 0253 - Variant is hemizygous. (N) 0304 - Variant is present in gnomAD <0.01 for a recessive condition (1 heterozygote, 1 hemizygote, 0 homozygotes). (P) 0309 - Two alternative amino acid changes at the same position have been observed in gnomAD (4 heterozygotes, 0 hemizygotes, 0 homozygotes). (N) 0503 - Missense variant consistently predicted to be tolerated or not conserved in mammals with a minor amino acid change. (B) 0504 - Same amino acid change has been observed in mammals. (B) 0604 - Variant is not located in an established domain, motif, hotspot or informative constraint region. (N) 0705 - No comparable variants have previous evidence for pathogenicity. (N) 0807 - Variant has not previously been reported in a clinical context. (N) 0905 - No segregation evidence has been identified for this variant. (N) 1007 - No published functional evidence has been identified for this variant. (N) Legend: (P) - Pathogenic, (N) - Neutral, (B) - Benign

NM_005334.3(HCFC1):c.3731G>A (p.Arg1244His)

Gene: HCFC1 (host cell factor C1; minus strand). Cytogenetic location: Xq28.
Variant type: single nucleotide variant.
Coding change: c.3731G>A on transcript NM_005334.3 (MANE Select); coding-DNA position 3731, G replaced by A.
Protein change: p.Arg1244His; replaces arginine 1244 with histidine.
Molecular consequence: missense variant.
Genome position (GRCh38, 1-based): chrX:153,954,668, C>T on the plus strand (G>A on the coding strand, the complement: HCFC1 is on the minus strand). VCF-style: chrX-153954668-C-T. GRCh37 (hg19) VCF-style: chrX-153220119-C-T.
Other names: short protein forms R1244H.
Identifiers: ClinVar variation 1699279 (VCV001699279.8), dbSNP rs782013532, ClinGen allele CA10557142.
Genomic context (GRCh38, chrX:153,954,668, plus strand): 5'-CCACCCTGGAGGCTCTCGCACACAGGTGCCATGCGGGGCTCCCCAGCACCCACGCTGGAA[C>T]GGGTCATGGCAGCGGTGCTGACCGCATGGCTGTGGCGCCCCGCAGGAAGGTCCTTAATGC-3'
Protein context (NP_005325.2, residues 1234-1254): SHAVSTAAMT[Arg1244His]SSVGAGEPRM